The following is an entry in ClinVar:

NM_000426.4(LAMA2):c.6993-153G>A

Gene: LAMA2 (laminin subunit alpha 2; plus strand). Cytogenetic location: 6q22.33.
Variant type: single nucleotide variant.
Coding change: c.6993-153G>A on transcript NM_000426.4 (MANE Select); 153 bases into the intron before coding-DNA position 6993, G replaced by A.
Molecular consequence: intron variant.
Genome position (GRCh38, 1-based): chr6:129,464,137, G>A. VCF-style: chr6-129464137-G-A. GRCh37 (hg19) VCF-style: chr6-129785282-G-A.
Other names: c.6993-153G>A (NM_001079823.2).
Identifiers: ClinVar variation 682957 (VCV000682957.1), dbSNP rs2297741, ClinGen allele CA16279941.
Genomic context (GRCh38, chr6:129,464,137, plus strand): 5'-AGTTATTGCACACCTCATGAAAGGTGAGAGGTGGTTTTTACTTATTCTAGCACGGTGGCA[G>A]TAGAGATGGAGATAAGTGGAAGGAATGAAGATGTATTTAGGGTATTTCCTGCCCTACAAC-3'

ClinVar aggregate classification (germline): Benign (1 of 4 stars; one submission).

Allele frequency attached by ClinVar (database versions not stated): gnomAD 0.17502 and 0.17612; TOPMed 0.18281; 1000 Genomes Project 0.20347; 1000 Genomes Project 30x 0.20347.
gnomAD v4.1: 26,626 of 151,920 alleles (18%); highest among the groups gnomAD compares: African/African-American, 24%; 2,512 homozygotes.

Submission:

GeneDx
Classification: Benign. Last evaluated: 2018-06-19. Review status: criteria provided, single submitter. Criteria: GeneDx Variant Classification (06012015). Collection method: clinical testing. Allele origin: germline. Affected: yes.
Comment: This variant is considered likely benign or benign based on one or more of the following criteria: it is a conservative change, it occurs at a poorly conserved position in the protein, it is predicted to be benign by multiple in silico algorithms, and/or has population frequency not consistent with disease.